The following is an entry in ClinVar:

NM_001256545.2(MEGF10):c.3215G>A (p.Arg1072Lys)

Gene: MEGF10 (multiple EGF like domains 10; plus strand). Cytogenetic location: 5q23.2.
Variant type: single nucleotide variant.
Coding change: c.3215G>A on transcript NM_001256545.2 (MANE Select); coding-DNA position 3215, G replaced by A.
Protein change: p.Arg1072Lys; replaces arginine 1072 with lysine.
Molecular consequence: missense variant.
Genome position (GRCh38, 1-based): chr5:127,455,590, G>A. VCF-style: chr5-127455590-G-A. GRCh37 (hg19) VCF-style: chr5-126791282-G-A.
Other names: c.3215G>A, p.Arg1072Lys (NM_032446.3); short protein forms R1072K.
Identifiers: ClinVar variation 262075 (VCV000262075.21), dbSNP rs17164935, ClinGen allele CA3392160.

ClinVar aggregate classification (germline): Benign. Review status: criteria provided, multiple submitters, no conflicts (2 of 4 stars). 5 submissions from 5 submitters: Benign (5). Last evaluated 2026-02-04.

Conditions:
MEGF10-related myopathy (CMYO10A). Also called: Congenital myopathy 10A, severe variant. Identifiers: Orphanet 439212, MedGen C3280679, MONDO:0013731, OMIM 614399.

Allele frequency attached by ClinVar (database versions not stated): 1000 Genomes Project 0.12061; ExAC 0.14196; TOPMed 0.13241; gnomAD 0.14115 and 0.14236; ESP Exome Variant Server 0.14370; gnomAD exomes 0.15799 and 0.13843; 1000 Genomes Project 30x 0.11524.
gnomAD v4.1: 251,678 of 1,613,490 alleles (16%); highest among the groups gnomAD compares: Non-Finnish European, 17%; 20,250 homozygotes.

Submissions (5):

Labcorp Genetics (formerly Invitae), Labcorp
Classification: Benign for MEGF10-related myopathy. Last evaluated: 2026-02-04. Review status: criteria provided, single submitter. Criteria: Invitae Variant Classification Sherloc (09022015). Collection method: clinical testing. Allele origin: germline.

Illumina Laboratory Services, Illumina
Classification: Benign for MEGF10-related myopathy. Last evaluated: 2018-01-12. Review status: criteria provided, single submitter. Criteria: ICSL Variant Classification Criteria 13 December 2019. Collection method: clinical testing. Allele origin: germline.
Comment: This variant was observed in the ICSL laboratory as part of a predisposition screen in an ostensibly healthy population. It had not been previously curated by ICSL or reported in the Human Gene Mutation Database (HGMD: prior to June 1st, 2018), and was therefore a candidate for classification through an automated scoring system. Utilizing variant allele frequency, disease prevalence and penetrance estimates, and inheritance mode, an automated score was calculated to assess if this variant is too frequent to cause the disease. Based on the score and internal cut-off values, a variant classified as benign is not then subjected to further curation. The score for this variant resulted in a classification of benign for this disease.

Mayo Clinic Laboratories, Mayo Clinic
Classification: Benign. Last evaluated: 2017-07-25. Review status: criteria provided, single submitter. Criteria: ACMG Guidelines, 2015. Collection method: clinical testing. Allele origin: germline. Observed: 123 variant alleles.

GeneDx
Classification: Benign. Last evaluated: 2016-01-05. Review status: criteria provided, single submitter. Criteria: GeneDx Variant Classification (06012015). Collection method: clinical testing. Allele origin: germline. Affected: yes.
Comment: This variant is considered likely benign or benign based on one or more of the following criteria: it is a conservative change, it occurs at a poorly conserved position in the protein, it is predicted to be benign by multiple in silico algorithms, and/or has population frequency not consistent with disease.

PreventionGenetics, part of Exact Sciences
Classification: Benign. Review status: criteria provided, single submitter. Criteria: ACMG Guidelines, 2015. Collection method: clinical testing. Allele origin: germline.